The following is an entry in ClinVar:

ClinVar aggregate classification (germline): Uncertain significance (1 of 4 stars; one submission).

Allele frequency attached by ClinVar (database versions not stated): gnomAD exomes 0.00003; 1000 Genomes Project 30x 0.00031; TOPMed below 0.00001; gnomAD 0.00003; ExAC 0.00009; 1000 Genomes Project 0.00040.
gnomAD v4.1: 56 of 1,606,972 alleles (0.0035%); highest among the groups gnomAD compares: South Asian, 0.055%; no homozygotes.

Submission:

Labcorp Genetics (formerly Invitae), Labcorp
Classification: Uncertain significance. Last evaluated: 2025-10-29. Review status: criteria provided, single submitter. Criteria: Invitae Variant Classification Sherloc (09022015). Collection method: clinical testing. Allele origin: germline.
Comment: This sequence change replaces leucine, which is neutral and non-polar, with valine, which is neutral and non-polar, at codon 34 of the RUNX2 protein (p.Leu34Val). This variant is present in population databases (rs534661233, gnomAD 0.06%), and has an allele count higher than expected for a pathogenic variant. This variant has not been reported in the literature in individuals affected with RUNX2-related conditions. ClinVar contains an entry for this variant (Variation ID: 2898096). Invitae Evidence Modeling of protein sequence and biophysical properties (such as structural, functional, and spatial information, amino acid conservation, physicochemical variation, residue mobility, and thermodynamic stability) indicates that this missense variant is not expected to disrupt RUNX2 protein function with a negative predictive value of 80%. In summary, the available evidence is currently insufficient to determine the role of this variant in disease. Therefore, it has been classified as a Variant of Uncertain Significance.

NM_001024630.4(RUNX2):c.100C>G (p.Leu34Val)

Gene: RUNX2 (RUNX family transcription factor 2; plus strand). Cytogenetic location: 6p21.1.
Variant type: single nucleotide variant.
Coding change: c.100C>G on transcript NM_001024630.4 (MANE Select); coding-DNA position 100, C replaced by G.
Protein change: p.Leu34Val; replaces leucine 34 with valine.
Molecular consequence: missense variant.
Genome position (GRCh38, 1-based): chr6:45,422,634, C>G. VCF-style: chr6-45422634-C-G. GRCh37 (hg19) VCF-style: chr6-45390371-C-G.
Other names: c.100C>G, p.Leu34Val (NM_001015051.4); c.58C>G, p.Leu20Val (NM_001278478.2, NM_001369405.1, NM_004348.3); short protein forms L20V, L34V.
Identifiers: ClinVar variation 2898096 (VCV002898096.3), dbSNP rs534661233, ClinGen allele CA3836260.
Genomic context (GRCh38, chr6:45,422,634, plus strand): 5'-GTGATGCGTATTCCCGTAGATCCGAGCACCAGCCGGCGCTTCAGCCCCCCCTCCAGCAGC[C>G]TGCAGCCCGGCAAAATGAGCGACGTGAGCCCGGTGGTGGCTGCGCAACAGCAGCAGCAAC-3'
Protein context (NP_001019801.3, residues 24-44): SRRFSPPSSS[Leu34Val]QPGKMSDVSP